The following is an entry in ClinVar:

ClinVar aggregate classification (germline): Uncertain significance. Review status: criteria provided, multiple submitters, no conflicts (2 of 4 stars). 2 submissions from 2 submitters: Uncertain significance (2). Last evaluated 2024-05-06.

Conditions:
Inborn genetic diseases. Identifiers: MedGen C0950123, MeSH D030342.

Allele frequency attached by ClinVar (database versions not stated): 1000 Genomes Project 0.00020; 1000 Genomes Project 30x 0.00047.
gnomAD v4.1: 153 of 1,614,172 alleles (0.0095%); highest among the groups gnomAD compares: South Asian, 0.16%; 4 homozygotes.

Submissions (2):

Labcorp Genetics (formerly Invitae), Labcorp
Classification: Uncertain significance. Last evaluated: 2024-05-06. Review status: criteria provided, single submitter. Criteria: Invitae Variant Classification Sherloc (09022015). Collection method: clinical testing. Allele origin: germline.
Comment: This sequence change replaces alanine, which is neutral and non-polar, with glutamic acid, which is acidic and polar, at codon 887 of the CDAN1 protein (p.Ala887Glu). This variant is present in population databases (rs375343604, gnomAD 0.1%). This variant has not been reported in the literature in individuals affected with CDAN1-related conditions. ClinVar contains an entry for this variant (Variation ID: 2397730). An algorithm developed to predict the effect of missense changes on protein structure and function (PolyPhen-2) suggests that this variant is likely to be disruptive. In summary, the available evidence is currently insufficient to determine the role of this variant in disease. Therefore, it has been classified as a Variant of Uncertain Significance.

Ambry Genetics
Classification: Uncertain significance for Inborn genetic diseases. Last evaluated: 2022-05-27. Review status: criteria provided, single submitter. Criteria: Ambry Variant Classification Scheme 2023. Collection method: clinical testing. Allele origin: germline.

NM_138477.4(CDAN1):c.2660C>A (p.Ala887Glu)

Gene: CDAN1 (codanin 1; minus strand). Cytogenetic location: 15q15.2.
Variant type: single nucleotide variant.
Coding change: c.2660C>A on transcript NM_138477.4 (MANE Select); coding-DNA position 2660, C replaced by A.
Protein change: p.Ala887Glu; replaces alanine 887 with glutamic acid.
Molecular consequence: missense variant.
Genome position (GRCh38, 1-based): chr15:42,728,796, G>T on the plus strand (C>A on the coding strand, the complement: CDAN1 is on the minus strand). VCF-style: chr15-42728796-G-T. GRCh37 (hg19) VCF-style: chr15-43020994-G-T.
Other names: short protein forms A887E.
Identifiers: ClinVar variation 2397730 (VCV002397730.5), dbSNP rs375343604, ClinGen allele CA7515508.